The following is an entry in ClinVar:

NM_002693.3(POLG):c.52C>T (p.Pro18Ser)

Genes: POLG (DNA polymerase gamma, catalytic subunit; minus strand), POLGARF (POLG alternative reading frame; minus strand). Cytogenetic location: 15q26.1.
Variant type: single nucleotide variant.
Coding change: c.52C>T on transcript NM_002693.3 (MANE Select); coding-DNA position 52, C replaced by T.
Protein change: p.Pro18Ser; replaces proline 18 with serine.
Molecular consequence: missense variant.
Genome position (GRCh38, 1-based): chr15:89,333,703, G>A on the plus strand (C>T on the coding strand, the complement: POLG is on the minus strand). VCF-style: chr15-89333703-G-A. GRCh37 (hg19) VCF-style: chr15-89876934-G-A.
Other names: c.52C>T, p.Pro18Ser (NM_001126131.2); short protein forms P18S.
Identifiers: ClinVar variation 21317 (VCV000021317.10), dbSNP rs3087373, ClinGen allele CA341889.

ClinVar aggregate classification (germline): Uncertain significance (1 of 4 stars; one submission).

Conditions:
Progressive sclerosing poliodystrophy (MTDPS4A). Also called: Alpers Syndrome; Mitochondrial DNA Depletion Syndrome 4A; NEURONAL DEGENERATION OF CHILDHOOD WITH LIVER DISEASE, PROGRESSIVE; Mitochondrial DNA depletion syndrome 4A (Alpers type); ALPERS PROGRESSIVE INFANTILE POLIODYSTROPHY; Alpers-Huttenlocher Syndrome (AHS). Identifiers: Orphanet 726, MedGen C0205710, MONDO:0008758, OMIM 203700.

Allele frequency attached by ClinVar (database versions not stated): gnomAD exomes below 0.00001; TOPMed below 0.00001.
gnomAD v4.1: 1 of 1,539,442 alleles (0.000065%); highest among the groups gnomAD compares: Admixed American, 0.002%; no homozygotes.

Submission:

Labcorp Genetics (formerly Invitae), Labcorp
Classification: Uncertain significance for Progressive sclerosing poliodystrophy. Last evaluated: 2024-02-12. Review status: criteria provided, single submitter. Criteria: Invitae Variant Classification Sherloc (09022015). Collection method: clinical testing. Allele origin: germline.
Comment: This sequence change replaces proline, which is neutral and non-polar, with serine, which is neutral and polar, at codon 18 of the POLG protein (p.Pro18Ser). This variant is not present in population databases (gnomAD no frequency). This variant has not been reported in the literature in individuals affected with POLG-related conditions. ClinVar contains an entry for this variant (Variation ID: 21317). Advanced modeling of protein sequence and biophysical properties (such as structural, functional, and spatial information, amino acid conservation, physicochemical variation, residue mobility, and thermodynamic stability) performed at Invitae indicates that this missense variant is not expected to disrupt POLG protein function with a negative predictive value of 95%. In summary, the available evidence is currently insufficient to determine the role of this variant in disease. Therefore, it has been classified as a Variant of Uncertain Significance.